The following is an entry in ClinVar:

NM_015656.2(KIF26A):c.774G>A (p.Thr258=)

Gene: KIF26A (kinesin family member 26A; plus strand). Cytogenetic location: 14q32.33.
Variant type: single nucleotide variant.
Coding change: c.774G>A on transcript NM_015656.2 (MANE Select); coding-DNA position 774, G replaced by A.
Protein change: p.Thr258=; no amino-acid change (threonine 258 retained).
Molecular consequence: synonymous variant.
Genome position (GRCh38, 1-based): chr14:104,157,793, G>A. VCF-style: chr14-104157793-G-A. GRCh37 (hg19) VCF-style: chr14-104624130-G-A.
Identifiers: ClinVar variation 3777937 (VCV003777937.7).

ClinVar aggregate classification (germline): Likely benign (1 of 4 stars; one submission).

gnomAD v4.1: 911 of 1,610,324 alleles (0.057%); highest among the groups gnomAD compares: Non-Finnish European, 0.071%; 2 homozygotes.

Submission:

CeGaT Center for Human Genetics Tuebingen
Classification: Likely benign. Last evaluated: 2025-02-01. Review status: criteria provided, single submitter. Criteria: CeGaT Center For Human Genetics Tuebingen Variant Classification Criteria Version 2. Collection method: clinical testing. Allele origin: germline. Affected: yes. Observed: 1 variant allele.
Comment: KIF26A: BP4, BP7